The following is an entry in ClinVar:

ClinVar aggregate classification (germline): Uncertain significance (1 of 4 stars; one submission).

Conditions:
Cardiovascular phenotype. Identifiers: MedGen CN230736.

Allele frequency attached by ClinVar (database versions not stated): ExAC 0.00001.
gnomAD v4.1: 4 of 1,192,578 alleles (0.00034%); highest among the groups gnomAD compares: East Asian, 0.0023%; no homozygotes.

Submission:

Ambry Genetics
Classification: Uncertain significance for Cardiovascular phenotype. Last evaluated: 2022-09-26. Review status: criteria provided, single submitter. Criteria: Ambry Variant Classification Scheme 2023. Collection method: clinical testing. Allele origin: germline.
Comment: The p.R651K variant (also known as c.1952G>A), located in coding exon 13 of the ABCG5 gene, results from a G to A substitution at nucleotide position 1952. The arginine at codon 651 is replaced by lysine, an amino acid with highly similar properties. This amino acid position is conserved. In addition, the in silico prediction for this alteration is inconclusive. Since supporting evidence is limited at this time, the clinical significance of this alteration remains unclear.

NM_022436.3(ABCG5):c.1952G>A (p.Arg651Lys)

Genes: ABCG5 (ATP binding cassette subfamily G member 5; minus strand), DYNC2LI1 (dynein cytoplasmic 2 light intermediate chain 1; plus strand). Cytogenetic location: 2p21.
Variant type: single nucleotide variant.
Coding change: c.1952G>A on transcript NM_022436.3 (MANE Select); coding-DNA position 1952, G replaced by A.
Protein change: p.Arg651Lys; replaces arginine 651 with lysine.
Molecular consequence: missense variant. On other transcripts: intron variant (2).
Genome position (GRCh38, 1-based): chr2:43,813,120, C>T on the plus strand (G>A on the coding strand, the complement: ABCG5 is on the minus strand). VCF-style: chr2-43813120-C-T. GRCh37 (hg19) VCF-style: chr2-44040259-C-T.
Other names: c.*15+2596C>T (NM_001348913.2, NM_001348912.2); short protein forms R651K.
Identifiers: ClinVar variation 1783259 (VCV001783259.2), dbSNP rs759846565, ClinGen allele CA1636119.